The following is an entry in ClinVar:

NM_002470.4(MYH3):c.4139C>T (p.Ala1380Val)

Gene: MYH3 (myosin heavy chain 3; minus strand). Cytogenetic location: 17p13.1.
Variant type: single nucleotide variant.
Coding change: c.4139C>T on transcript NM_002470.4 (MANE Select); coding-DNA position 4139, C replaced by T.
Protein change: p.Ala1380Val; replaces alanine 1380 with valine.
Molecular consequence: missense variant.
Genome position (GRCh38, 1-based): chr17:10,635,400, G>A on the plus strand (C>T on the coding strand, the complement: MYH3 is on the minus strand). VCF-style: chr17-10635400-G-A. GRCh37 (hg19) VCF-style: chr17-10538717-G-A.
Other names: c.4139C>T (NM_002470.3); short protein forms A1380V.
Identifiers: ClinVar variation 2788893 (VCV002788893.4), dbSNP rs2508582830, ClinGen allele CA398144592.

ClinVar aggregate classification (germline): Uncertain significance. Review status: criteria provided, multiple submitters, no conflicts (2 of 4 stars). 2 submissions from 2 submitters: Uncertain significance (2). Last evaluated 2025-04-02.

Conditions:
Inborn genetic diseases. Identifiers: MedGen C0950123, MeSH D030342.

Submissions (2):

Ambry Genetics
Classification: Uncertain significance for Inborn genetic diseases. Last evaluated: 2025-04-02. Review status: criteria provided, single submitter. Criteria: Ambry Variant Classification Scheme 2023. Collection method: clinical testing. Allele origin: germline.

Labcorp Genetics (formerly Invitae), Labcorp
Classification: Uncertain significance. Last evaluated: 2023-02-09. Review status: criteria provided, single submitter. Criteria: Invitae Variant Classification Sherloc (09022015). Collection method: clinical testing. Allele origin: germline.
Comment: This sequence change replaces alanine, which is neutral and non-polar, with valine, which is neutral and non-polar, at codon 1380 of the MYH3 protein (p.Ala1380Val). This variant is not present in population databases (gnomAD no frequency). This variant has not been reported in the literature in individuals affected with MYH3-related conditions. Advanced modeling of protein sequence and biophysical properties (such as structural, functional, and spatial information, amino acid conservation, physicochemical variation, residue mobility, and thermodynamic stability) performed at Invitae indicates that this missense variant is not expected to disrupt MYH3 protein function. In summary, the available evidence is currently insufficient to determine the role of this variant in disease. Therefore, it has been classified as a Variant of Uncertain Significance.